The following is an entry in ClinVar:

ClinVar aggregate classification (germline): Conflicting classifications of pathogenicity. Review status: criteria provided, conflicting classifications (1 of 4 stars). 10 submissions from 9 submitters: Uncertain significance (1); Likely benign (7). 2 of the submissions do not count toward it. Last evaluated 2026-01-26.

Conditions:
Hereditary cancer-predisposing syndrome. Also called: Hereditary Cancer Syndrome; Hereditary neoplastic syndrome; Tumor predisposition; Neoplastic Syndromes, Hereditary. Identifiers: Orphanet 140162, MedGen C0027672, MeSH D009386, MONDO:0015356.
Ovarian cancer. Also called: OVARIAN CANCER, SOMATIC. Identifiers: Orphanet 213500, MedGen C1140680, MONDO:0008170, OMIM 167000.
Familial cancer of breast. Also called: Hereditary breast cancer; hereditary breast carcinoma; BREAST CANCER, FAMILIAL. Identifiers: Orphanet 227535, MedGen C0346153, MONDO:0016419, OMIM 114480. Disease mechanism: loss of function.
Fanconi anemia complementation group J. Also called: BRIP1-Related Fanconi Anemia. Identifiers: Orphanet 84, MedGen C1836860, MONDO:0012187, OMIM 609054.
Hereditary breast ovarian cancer syndrome. Also called: Hereditary breast and/or ovarian cancer syndrome; Breast and ovarian cancer; Hereditary breast and ovarian cancer syndrome (HBOC); Hereditary breast and ovarian cancer; BRCA1- and BRCA2-Associated Hereditary Breast and Ovarian Cancer; Hereditary breast and ovarian cancer syndrome. Identifiers: Orphanet 145, MedGen C0677776, MeSH D061325, MONDO:0003582. Disease mechanism: loss of function.

Allele frequency attached by ClinVar (database versions not stated): gnomAD 0.00005 and 0.00006; TOPMed 0.00005; gnomAD exomes 0.00006; ESP Exome Variant Server 0.00008; ExAC 0.00009.
gnomAD v4.1: 84 of 1,600,130 alleles (0.0052%); highest among the groups gnomAD compares: Middle Eastern, 0.017%; no homozygotes.

Submissions (10):

Labcorp Genetics (formerly Invitae), Labcorp
Classification: Likely benign for Familial cancer of breast; Fanconi anemia complementation group J. Last evaluated: 2026-01-26. Review status: criteria provided, single submitter. Criteria: Invitae Variant Classification Sherloc (09022015). Collection method: clinical testing. Allele origin: germline.

Center for Genomic Medicine, Rigshospitalet, Copenhagen University Hospital
Classification: Likely benign. Last evaluated: 2025-12-29. Review status: criteria provided, single submitter. Criteria: ACMG Guidelines, 2015. Collection method: clinical testing. Allele origin: germline.

German Consortium for Hereditary Breast and Ovarian Cancer, University Hospital Cologne
Classification: Likely benign for Hereditary breast ovarian cancer syndrome. Last evaluated: 2024-11-11. Review status: criteria provided, single submitter. Criteria: ACMG Guidelines, 2015. Collection method: curation. Allele origin: germline.
Comment: According to the ACMG SVI adaptation criteria we chose these criteria: BP4 (supporting benign): spliceAI:BRIP1:0.0, BP7 (supporting benign): SpliceAI: unauffällig

Blueprint Genetics
Classification: Likely benign. Last evaluated: 2024-08-07. Review status: criteria provided, single submitter. Criteria: ACMG Guidelines, 2015. Collection method: clinical testing. Allele origin: germline.

Department of Pathology and Laboratory Medicine, Sinai Health System
Classification: Likely benign for Hereditary breast ovarian cancer syndrome. Last evaluated: 2023-10-06. Review status: criteria provided, single submitter. Criteria: ACMG Guidelines, 2015. Collection method: clinical testing. Allele origin: germline. Affected: yes.

GeneDx
Classification: Likely benign. Last evaluated: 2017-07-31. Review status: criteria provided, single submitter. Criteria: GeneDx Variant Classification (06012015). Collection method: clinical testing. Allele origin: germline. Affected: yes.
Comment: This variant is considered likely benign or benign based on one or more of the following criteria: it is a conservative change, it occurs at a poorly conserved position in the protein, it is predicted to be benign by multiple in silico algorithms, and/or has population frequency not consistent with disease.

Illumina Laboratory Services, Illumina
Classification: Uncertain significance for Fanconi anemia complementation group J. Last evaluated: 2017-04-28. Review status: criteria provided, single submitter. Criteria: ICSL Variant Classification Criteria 13 December 2019. Collection method: clinical testing. Allele origin: germline.

Color Diagnostics, LLC DBA Color Health
Classification: Likely benign for Hereditary cancer-predisposing syndrome. Last evaluated: 2015-08-12. Review status: criteria provided, single submitter. Criteria: ACMG Guidelines, 2015. Collection method: clinical testing. Allele origin: germline.

Counsyl
Classification: Likely benign for Fanconi anemia complementation group J. Last evaluated: 2016-10-07. Review status: no assertion criteria provided. Collection method: clinical testing. Allele origin: unknown. Not counted in ClinVar's aggregate classification.

Counsyl
Classification: Likely benign for Ovarian cancer. Last evaluated: 2016-10-07. Review status: no assertion criteria provided. Collection method: clinical testing. Allele origin: unknown. Not counted in ClinVar's aggregate classification.

NM_032043.3(BRIP1):c.1140+11G>A

Gene: BRIP1 (BRCA1 interacting DNA helicase 1; minus strand). Cytogenetic location: 17q23.2.
Variant type: single nucleotide variant.
Coding change: c.1140+11G>A on transcript NM_032043.3 (MANE Select); 11 bases into the intron after coding-DNA position 1140, G replaced by A.
Molecular consequence: intron variant.
Genome position (GRCh38, 1-based): chr17:61,801,242, C>T on the plus strand (G>A on the coding strand, the complement: BRIP1 is on the minus strand). VCF-style: chr17-61801242-C-T. GRCh37 (hg19) VCF-style: chr17-59878603-C-T.
Identifiers: ClinVar variation 372097 (VCV000372097.22), dbSNP rs369153270, ClinGen allele CA8690798.
Genomic context (GRCh38, chr17:61,801,242, plus strand): 5'-AAAGCTTTTACATTCAACATTTACATCTCCATGAGTAGGAAGAAGGTTCTCATTTTTACA[C>T]ATATACTCACACTTTCCCTTATTTGTGCATCTAGAAGATAGTTGTAGGGACAAAATATGA-3'